The following is an entry in ClinVar:

NM_002971.6(SATB1):c.516-3T>G

Gene: SATB1 (SATB homeobox 1; minus strand). Cytogenetic location: 3p24.3.
Variant type: single nucleotide variant.
Coding change: c.516-3T>G on transcript NM_002971.6 (MANE Select); 3 bases into the intron before coding-DNA position 516, T replaced by G.
Molecular consequence: intron variant.
Genome position (GRCh38, 1-based): chr3:18,415,237, A>C on the plus strand (T>G on the coding strand, the complement: SATB1 is on the minus strand). VCF-style: chr3-18415237-A-C. GRCh37 (hg19) VCF-style: chr3-18456729-A-C.
Other names: c.516-3T>G (NM_001322874.2, NM_001322872.2, NM_001322873.2 and 4 more transcripts); c.300-3T>G (NM_001322876.2).
Identifiers: ClinVar variation 5017086 (VCV005017086.1).

ClinVar aggregate classification (germline): Uncertain significance (1 of 4 stars; one submission).

Submission:

GeneDx
Classification: Uncertain significance. Last evaluated: 2026-03-23. Review status: criteria provided, single submitter. Criteria: GeneDx Variant Classification Process June 2021. Collection method: clinical testing. Allele origin: germline.
Comment: Not observed at significant frequency in large population cohorts (gnomAD); In silico analysis supports a deleterious effect on splicing; Has not been previously published as pathogenic or benign to our knowledge